The following is an entry in ClinVar:

ClinVar aggregate classification (germline): Uncertain significance (1 of 4 stars; one submission).

Conditions:
Cardiovascular phenotype. Identifiers: MedGen CN230736.

Submission:

Ambry Genetics
Classification: Uncertain significance for Cardiovascular phenotype. Last evaluated: 2024-03-28. Review status: criteria provided, single submitter. Criteria: Ambry Variant Classification Scheme 2023. Collection method: clinical testing. Allele origin: germline.
Comment: The c.1486C>A variant (also known as p.R496R), located in coding exon 11 of the CACNA1C gene, results from a C to A substitution at nucleotide position 1486. This nucleotide substitution does not change the arginine at codon 496. This nucleotide position is not well conserved in available vertebrate species. In silico splice site analysis predicts that this alteration may result in the creation or strengthening of a novel splice acceptor site. Based on the available evidence, the clinical significance of this alteration remains unclear.

NM_000719.7(CACNA1C):c.1486C>A (p.Arg496=)

Gene: CACNA1C (calcium voltage-gated channel subunit alpha1 C; plus strand). Cytogenetic location: 12p13.33.
Variant type: single nucleotide variant.
Coding change: c.1486C>A on transcript NM_000719.7 (MANE Select); coding-DNA position 1486, C replaced by A.
Protein change: p.Arg496=; no amino-acid change (arginine 496 retained).
Molecular consequence: synonymous variant.
Genome position (GRCh38, 1-based): chr12:2,556,955, C>A. VCF-style: chr12-2556955-C-A. GRCh37 (hg19) VCF-style: chr12-2666121-C-A.
Other names: c.1486C>A, p.Arg496= (NM_001129827.2, NM_001129829.2, NM_001129830.3 and 18 more transcripts); c.1477C>A, p.Arg493= (NM_001129844.2).
Identifiers: ClinVar variation 3262710 (VCV003262710.1).